The following is an entry in ClinVar:

NM_152564.5(VPS13B):c.4225-10T>C

Gene: VPS13B (vacuolar protein sorting 13 homolog B; plus strand). Cytogenetic location: 8q22.2.
Variant type: single nucleotide variant.
Coding change: c.4225-10T>C on transcript NM_152564.5 (MANE Select); 10 bases into the intron before coding-DNA position 4225, T replaced by C.
Molecular consequence: intron variant.
Genome position (GRCh38, 1-based): chr8:99,511,094, T>C. VCF-style: chr8-99511094-T-C. GRCh37 (hg19) VCF-style: chr8-100523322-T-C.
Other names: c.4300-10T>C (NM_017890.5); c.4225-10T>C (NM_152564.4).
Identifiers: ClinVar variation 1649594 (VCV001649594.9), dbSNP rs758652475, ClinGen allele CA4823499.

ClinVar aggregate classification (germline): Likely benign. Review status: criteria provided, multiple submitters, no conflicts (2 of 4 stars). 2 submissions from 2 submitters: Likely benign (2). Last evaluated 2025-12-03.

Conditions:
VPS13B-related disorder. Also called: VPS13B-related condition.
Cohen syndrome (COH1). Also called: PEPPER SYNDROME; Cutis verticis gyrata, retinitis pigmentosa, and sensorineural deafness. Identifiers: Orphanet 193, MedGen C0265223, MONDO:0008999, OMIM 216550.

Allele frequency attached by ClinVar (database versions not stated): gnomAD exomes 0.00001 and 0.00002; TOPMed 0.00001; ExAC 0.00002.
gnomAD v4.1: 5 of 1,611,574 alleles (0.00031%); highest among the groups gnomAD compares: Admixed American, 0.005%; no homozygotes.

Submissions (2):

Labcorp Genetics (formerly Invitae), Labcorp
Classification: Likely benign for Cohen syndrome. Last evaluated: 2025-12-03. Review status: criteria provided, single submitter. Criteria: Invitae Variant Classification Sherloc (09022015). Collection method: clinical testing. Allele origin: germline.

PreventionGenetics, part of Exact Sciences
Classification: Likely benign for VPS13B-related condition. Last evaluated: 2025-01-23. Review status: criteria provided, single submitter. Criteria: ACMG Guidelines, 2015. Collection method: clinical testing. Allele origin: germline.
Comment: This variant is classified as likely benign based on ACMG/AMP sequence variant interpretation guidelines (Richards et al. 2015 PMID: 25741868, with internal and published modifications).